The following is an entry in ClinVar:

ClinVar aggregate classification (oncogenicity): Likely oncogenic (1 of 4 stars; one submission).

Conditions:
Neuroblastoma (NB). Identifiers: Orphanet 635, MedGen C0027819, MeSH D009447, MONDO:0005072, HP:0003006.

Submission:

Research Institute for Clinical Oncology, Saitama Cancer Center
Classification: Likely oncogenic for Neuroblastoma. Last evaluated: 2023-07-01. Review status: criteria provided, single submitter. Criteria: ClinGen/CGC/VICC Guidelines for Oncogenicity, 2022. Collection method: research. Allele origin: somatic. Affected: yes. Observed: 1 variant allele.
Comment: This variant is an in-frame deletion affecting the helicase/ATPase domain of ATRX, a region critical for its chromatin remodeling function. ATRX dysfunction is strongly associated with alternative lengthening of telomeres (ALT) in neuroblastoma. Although direct functional evidence for this specific in-frame deletion is not available, its location within a key functional domain and the established gene–disease association support classification of this variant as likely oncogenic.

NM_000489.6(ATRX):c.4353GGA[1] (p.Glu1463_Glu1464del)

Gene: ATRX (ATRX chromatin remodeler; minus strand). Cytogenetic location: Xq21.1.
Variant type: Microsatellite.
Coding change: c.4353GGA[1] on transcript NM_000489.6 (MANE Select); one copy of the 3-base unit GGA starting at c.4353; the reference has three copies in a row; two copies, 6 bases deleted.
Protein change: p.Glu1463_Glu1464del.
Molecular consequence: inframe deletion.
Genome position (GRCh38, 1-based): chrX:77,652,310-77,652,315, TCCTCC deleted on the plus strand (GGAGGA on the coding strand, the reverse complement: ATRX is on the minus strand); deleting any 6 consecutive bases within chrX:77,652,310-77,652,320 gives the same sequence; the position shown is the placement nearest the transcript's 3' end. VCF-style (leftmost placement, unchanged base first): chrX-77652309-TTCCTCC-T. GRCh37 (hg19) VCF-style: chrX-76907799-TTCCTCC-T.
Other names: c.4239GGA[1], p.Glu1425_Glu1426del (NM_138270.5); c.4356_4361delGGAGGA (NM_000489.6).
Identifiers: ClinVar variation 4685459 (VCV004685459.1).